The following is an entry in ClinVar:

ClinVar aggregate classification (germline): Likely benign (1 of 4 stars; one submission).

Conditions:
Severe intellectual disability-poor language-strabismus-grimacing face-long fingers syndrome (GAND). Also called: GAND SYNDROME. Identifiers: Orphanet 363686, MedGen C3554448, MONDO:0014034, OMIM 615074.

gnomAD v4.1: 12 of 1,581,674 alleles (0.00076%); highest among the groups gnomAD compares: South Asian, 0.0058%; no homozygotes.

Submission:

Centre for Medical Genetics,  Mumbai
Classification: Likely benign for Severe intellectual disability-poor language-strabismus-grimacing face-long fingers syndrome. Last evaluated: 2026-03-16. Review status: criteria provided, single submitter. Criteria: ACMG Guidelines, 2015. Collection method: provider interpretation. Allele origin: germline. Inheritance: Autosomal dominant inheritance. Affected: no. Observed: 1 variant allele, 1 heterozygote.
Comment: The variant satisfies PM2 criteria; Extremely low frequency in gnomAD population databases. The variant satisfies BP4 criteria; For a missense or a splice region variant, computational prediction tools unanimously support a benign effect on the gene. However, the variant satisfies BS2 criteria.

Literature cited by the submitters: PubMed 23033978.

NM_020699.4(GATAD2B):c.730-4C>G

Gene: GATAD2B (GATA zinc finger domain containing 2B; minus strand). Cytogenetic location: 1q21.3.
Variant type: single nucleotide variant.
Coding change: c.730-4C>G on transcript NM_020699.4 (MANE Select); 4 bases into the intron before coding-DNA position 730, C replaced by G.
Molecular consequence: intron variant.
Genome position (GRCh38, 1-based): chr1:153,817,546, G>C on the plus strand (C>G on the coding strand, the complement: GATAD2B is on the minus strand). VCF-style: chr1-153817546-G-C. GRCh37 (hg19) VCF-style: chr1-153790022-G-C.
Identifiers: ClinVar variation 4819557 (VCV004819557.1).